The following is an entry in ClinVar:

ClinVar aggregate classification (germline): Uncertain significance. Review status: criteria provided, multiple submitters, no conflicts (2 of 4 stars). 2 submissions from 2 submitters: Uncertain significance (2). Last evaluated 2024-06-20.

Conditions:
Wilms tumor 6 (WT6). Also called: WILMS TUMOR 6, SUSCEPTIBILITY TO. Identifiers: Orphanet 654, MedGen C3891301, MONDO:0014779, OMIM 616806.
Fibromatosis, gingival, 5. Also called: FIBROMATOSIS, GINGIVAL, HEREDITARY, 5. Identifiers: MedGen C4539942, MONDO:0033493, OMIM 617626.
Autosomal dominant nonsyndromic hearing loss 27. Also called: Deafness, autosomal dominant 27. Identifiers: Orphanet 90635, MedGen C3887929, MONDO:0012902, OMIM 612431.

Submissions (2):

Fulgent Genetics
Classification: Uncertain significance for Autosomal dominant nonsyndromic hearing loss 27; Wilms tumor 6; Fibromatosis, gingival, 5. Last evaluated: 2024-06-20. Review status: criteria provided, single submitter. Criteria: ACMG Guidelines, 2015. Collection method: clinical testing. Allele origin: germline.

Labcorp Genetics (formerly Invitae), Labcorp
Classification: Uncertain significance. Last evaluated: 2021-07-12. Review status: criteria provided, single submitter. Criteria: Invitae Variant Classification Sherloc (09022015). Collection method: clinical testing. Allele origin: germline.
Comment: In summary, the available evidence is currently insufficient to determine the role of this variant in disease. Therefore, it has been classified as a Variant of Uncertain Significance. Algorithms developed to predict the effect of missense changes on protein structure and function are either unavailable or do not agree on the potential impact of this missense change (SIFT: "Deleterious"; PolyPhen-2: "Benign"; Align-GVGD: "Class C0"). This variant has not been reported in the literature in individuals affected with REST-related conditions. This variant is not present in population databases (ExAC no frequency). This sequence change replaces histidine with aspartic acid at codon 684 of the REST protein (p.His684Asp). The histidine residue is weakly conserved and there is a moderate physicochemical difference between histidine and aspartic acid.

NM_005612.5(REST):c.2050C>G (p.His684Asp)

Gene: REST (RE1 silencing transcription factor; plus strand). Cytogenetic location: 4q12.
Variant type: single nucleotide variant.
Coding change: c.2050C>G on transcript NM_005612.5 (MANE Select); coding-DNA position 2050, C replaced by G.
Protein change: p.His684Asp; replaces histidine 684 with aspartic acid.
Molecular consequence: missense variant.
Genome position (GRCh38, 1-based): chr4:56,930,908, C>G. VCF-style: chr4-56930908-C-G. GRCh37 (hg19) VCF-style: chr4-57797074-C-G.
Other names: c.2050C>G, p.His684Asp (NM_001193508.2, NM_001363453.3); short protein forms H684D.
Identifiers: ClinVar variation 1347535 (VCV001347535.9), dbSNP rs1720935811, ClinGen allele CA357007969.